The following is an entry in ClinVar:

NM_000275.3(OCA2):c.157A>G (p.Arg53Gly)

Gene: OCA2 (OCA2 melanosomal transmembrane protein; minus strand). Cytogenetic location: 15q13.1.
Variant type: single nucleotide variant.
Coding change: c.157A>G on transcript NM_000275.3 (MANE Select); coding-DNA position 157, A replaced by G.
Protein change: p.Arg53Gly; replaces arginine 53 with glycine.
Molecular consequence: missense variant.
Genome position (GRCh38, 1-based): chr15:28,081,718, T>C on the plus strand (A>G on the coding strand, the complement: OCA2 is on the minus strand). VCF-style: chr15-28081718-T-C. GRCh37 (hg19) VCF-style: chr15-28326864-T-C.
Other names: c.157A>G, p.Arg53Gly (NM_001300984.2); short protein forms R53G.
Identifiers: ClinVar variation 1937364 (VCV001937364.3), dbSNP rs761810483, ClinGen allele CA7439565.
Genomic context (GRCh38, chr15:28,081,718, plus strand): 5'-TGAGGAATGAAGCAAACTCCTGGCCTGCAGGAGCCCAAGAGCTCTGCCCGGCAGCCCCCC[T>C]GGGGCAGGAGTGCGAGGGGTCAGCTCCACCGGCTCCCCGAGGAAGCCTGCGCTTGCCGGC-3'
Protein context (NP_000266.2, residues 43-63): GGADPSHSCP[Arg53Gly]GAAGQSSWAP

ClinVar aggregate classification (germline): Uncertain significance (1 of 4 stars; one submission).

Allele frequency attached by ClinVar (database versions not stated): ExAC 0.00001.
gnomAD v4.1: 1 of 1,613,666 alleles (0.000062%); highest among the groups gnomAD compares: Admixed American, 0.0017%; no homozygotes.

Submission:

Labcorp Genetics (formerly Invitae), Labcorp
Classification: Uncertain significance. Last evaluated: 2022-06-26. Review status: criteria provided, single submitter. Criteria: Invitae Variant Classification Sherloc (09022015). Collection method: clinical testing. Allele origin: germline.
Comment: In summary, the available evidence is currently insufficient to determine the role of this variant in disease. Therefore, it has been classified as a Variant of Uncertain Significance. Advanced modeling of protein sequence and biophysical properties (such as structural, functional, and spatial information, amino acid conservation, physicochemical variation, residue mobility, and thermodynamic stability) performed at Invitae indicates that this missense variant is not expected to disrupt OCA2 protein function. This variant has not been reported in the literature in individuals affected with OCA2-related conditions. This variant is present in population databases (rs761810483, gnomAD 0.003%). This sequence change replaces arginine, which is basic and polar, with glycine, which is neutral and non-polar, at codon 53 of the OCA2 protein (p.Arg53Gly).